The following is an entry in ClinVar:

ClinVar aggregate classification (germline): Uncertain significance (1 of 4 stars; one submission).

Conditions:
Early-infantile DEE. Also called: Early infantile epileptic encephalopathy with suppression bursts; Early infantile epileptic encephalopathy; Ohtahara syndrome. Identifiers: Orphanet 1934, MedGen C0393706, MONDO:0800491.

Allele frequency attached by ClinVar (database versions not stated): gnomAD 0.00001; TOPMed below 0.00001; ExAC 0.00001.

Submission:

Labcorp Genetics (formerly Invitae), Labcorp
Classification: Uncertain significance for Early-infantile DEE. Last evaluated: 2023-12-27. Review status: criteria provided, single submitter. Criteria: Invitae Variant Classification Sherloc (09022015). Collection method: clinical testing. Allele origin: germline.
Comment: This sequence change replaces arginine, which is basic and polar, with cysteine, which is neutral and slightly polar, at codon 1506 of the SCN8A protein (p.Arg1506Cys). The frequency data for this variant in the population databases is considered unreliable, as metrics indicate poor data quality at this position in the gnomAD database. This variant has not been reported in the literature in individuals affected with SCN8A-related conditions. Advanced modeling of protein sequence and biophysical properties (such as structural, functional, and spatial information, amino acid conservation, physicochemical variation, residue mobility, and thermodynamic stability) performed at Invitae indicates that this missense variant is expected to disrupt SCN8A protein function with a positive predictive value of 95%. In summary, the available evidence is currently insufficient to determine the role of this variant in disease. Therefore, it has been classified as a Variant of Uncertain Significance.

NM_001330260.2(SCN8A):c.4516C>T (p.Arg1506Cys)

Gene: SCN8A (sodium voltage-gated channel alpha subunit 8; plus strand). Cytogenetic location: 12q13.13.
Variant type: single nucleotide variant.
Coding change: c.4516C>T on transcript NM_001330260.2 (MANE Select); coding-DNA position 4516, C replaced by T.
Protein change: p.Arg1506Cys; replaces arginine 1506 with cysteine.
Molecular consequence: missense variant.
Genome position (GRCh38, 1-based): chr12:51,790,494, C>T. VCF-style: chr12-51790494-C-T. GRCh37 (hg19) VCF-style: chr12-52184278-C-T.
Other names: c.4393C>T, p.Arg1465Cys (NM_001177984.3, NM_001369788.1); c.4516C>T, p.Arg1506Cys (NM_014191.4); short protein forms R1465C, R1506C.
Identifiers: ClinVar variation 2737677 (VCV002737677.3), dbSNP rs753971582, ClinGen allele CA6571826.